The following is an entry in ClinVar:

ClinVar aggregate classification (germline): Likely benign. Review status: criteria provided, multiple submitters, no conflicts (2 of 4 stars). 3 submissions from 3 submitters: Likely benign (2). 1 of the submissions does not count toward it. Last evaluated 2026-02-01.

Conditions:
MYSM1-related disorder. Also called: MYSM1-related condition.

Allele frequency attached by ClinVar (database versions not stated): gnomAD exomes 0.00003; gnomAD 0.00005 and 0.00006.
gnomAD v4.1: 149 of 1,613,654 alleles (0.0092%); highest among the groups gnomAD compares: Non-Finnish European, 0.012%; no homozygotes.

Submissions (3):

Labcorp Genetics (formerly Invitae), Labcorp
Classification: Likely benign. Last evaluated: 2026-02-01. Review status: criteria provided, single submitter. Criteria: Invitae Variant Classification Sherloc (09022015). Collection method: clinical testing. Allele origin: germline.

Blueprint Genetics
Classification: Likely benign. Last evaluated: 2024-03-07. Review status: criteria provided, single submitter. Criteria: ACMG Guidelines, 2015. Collection method: clinical testing. Allele origin: germline.

PreventionGenetics, part of Exact Sciences
Classification: Likely benign for MYSM1-related condition. Last evaluated: 2019-02-27. Review status: no assertion criteria provided. Collection method: clinical testing. Allele origin: germline. Not counted in ClinVar's aggregate classification.
Comment: This variant is classified as likely benign based on ACMG/AMP sequence variant interpretation guidelines (Richards et al. 2015 PMID: 25741868, with internal and published modifications).

NM_001085487.3(MYSM1):c.18G>A (p.Ala6=)

Genes: MYSM1 (Myb like, SWIRM and MPN domains 1; minus strand), LOC129930616 (ATAC-STARR-seq lymphoblastoid active region 1087; plus strand). Cytogenetic location: 1p32.1.
Variant type: single nucleotide variant.
Coding change: c.18G>A on transcript NM_001085487.3 (MANE Select); coding-DNA position 18, G replaced by A.
Protein change: p.Ala6=; no amino-acid change (alanine 6 retained).
Molecular consequence: synonymous variant.
Genome position (GRCh38, 1-based): chr1:58,700,035, C>T on the plus strand (G>A on the coding strand, the complement: MYSM1 is on the minus strand). VCF-style: chr1-58700035-C-T. GRCh37 (hg19) VCF-style: chr1-59165707-C-T.
Other names: c.18G>A (NM_001085487.2).
Identifiers: ClinVar variation 1458750 (VCV001458750.13), dbSNP rs763642539, ClinGen allele CA417987221.